The following is an entry in ClinVar:

NM_000038.6(APC):c.95A>G (p.Asn32Ser)

Gene: APC (APC regulator of Wnt signaling pathway; plus strand). Cytogenetic location: 5q22.2.
Variant type: single nucleotide variant.
Coding change: c.95A>G on transcript NM_000038.6 (MANE Select); coding-DNA position 95, A replaced by G.
Protein change: p.Asn32Ser; replaces asparagine 32 with serine.
Molecular consequence: missense variant. On other transcripts: 5 prime UTR variant (1), intron variant (8).
Genome position (GRCh38, 1-based): chr5:112,754,985, A>G. VCF-style: chr5-112754985-A-G. GRCh37 (hg19) VCF-style: chr5-112090682-A-G.
Other names: c.95A>G, p.Asn32Ser (NM_001127510.3, NM_001354895.2, NM_001354896.2 and 2 more transcripts); c.-941A>G (NM_001354906.2); c.166-11341A>G (NM_001354897.2, NM_001354902.2, NM_001127511.3); c.61-11341A>G (NM_001354898.2, NM_001354904.2); c.-42-11341A>G (NM_001354900.2, NM_001354901.2, NM_001354905.2); short protein forms N32S.
Identifiers: ClinVar variation 218010 (VCV000218010.43), dbSNP rs539108537, ClinGen allele CA051346.

ClinVar aggregate classification (germline): Conflicting classifications of pathogenicity. Review status: criteria provided, conflicting classifications (1 of 4 stars). 16 submissions from 16 submitters: Uncertain significance (9); Likely benign (5). 2 of the submissions do not count toward it. Last evaluated 2026-05-15.

Conditions:
APC-related disorder. Also called: APC-related condition.
Classic or attenuated familial adenomatous polyposis. Identifiers: MedGen CN372698, MONDO:0021057.
Hereditary cancer-predisposing syndrome. Also called: Neoplastic Syndromes, Hereditary; Tumor predisposition; Hereditary Cancer Syndrome; Hereditary neoplastic syndrome. Identifiers: Orphanet 140162, MedGen C0027672, MeSH D009386, MONDO:0015356.
Neoplasm of stomach. Also called: Neoplasm of the stomach; Gastric neoplasm; Stomach Neoplasms. Identifiers: MedGen C0038356, MONDO:0021085, HP:0006753. Disease mechanism: gain of function. Inheritance: Somatic mutation.
Familial adenomatous polyposis 1 (FAP1). Also called: FAMILIAL ADENOMATOUS POLYPOSIS 1, ATTENUATED; POLYPOSIS, ADENOMATOUS INTESTINAL. Identifiers: MedGen C2713442, MONDO:0021056, OMIM 175100. Disease mechanism: loss of function.

Allele frequency attached by ClinVar (database versions not stated): ExAC 0.00007; gnomAD exomes 0.00007; TOPMed 0.00008; gnomAD 0.00009; 1000 Genomes Project 30x 0.00016; 1000 Genomes Project 0.00020.
gnomAD v4.1: 66 of 1,613,816 alleles (0.0041%); highest among the groups gnomAD compares: Middle Eastern, 0.066%; no homozygotes.

Submissions (16):

Women's Health and Genetics/Laboratory Corporation of America, LabCorp
Classification: Uncertain significance. Last evaluated: 2026-05-15. Review status: criteria provided, single submitter. Criteria: LabCorp Variant Classification Summary - May 2015. Collection method: clinical testing. Allele origin: germline.
Comment: Variant summary: APC c.95A>G (p.Asn32Ser) results in a conservative amino acid change located in the adenomatous polyposis coli, N-terminal dimerisation domain (IPR032038) of the encoded protein sequence. Algorithms developed to predict the effect of missense changes on protein structure and function are either unavailable or do not agree on the potential impact of this missense change. The variant allele was found at a frequency of 6.8e-05 in 251256 control chromosomes (gnomAD). This frequency is not significantly higher than estimated for disease-causing variants in APC, allowing no conclusion about variant significance. c.95A>G has been observed as a germline and somatic variant in patients with various cancers including but not limited to colorectal cancer, non-small cell lung cancer, pancreatic cancer, glioblastoma, and breast cancer without strong evidence for causality (example: Chang_2016, Lv_2017, Tung_2016, Lee_2017, Akcay_2020, Pavan_2021, Goldstein_2020, Muskens_2020) as well as in controls (Akcay_2020, Okawa_2022). These reports do not provide unequivocal conclusions about association of the variant with disease. To our knowledge, no experimental evidence demonstrating an impact on protein function has been reported. The following publications have been ascertained in the context of this evaluation (PMID: 32658311, 26900293, 31871297, 29237405, 28380452, 31970404, 36243179, 33569305, 26976419). ClinVar contains an entry for this variant (Variation ID: 218010). Based on the evidence outlined above, the variant was classified as uncertain significance.

St. Jude Molecular Pathology, St. Jude Children's Research Hospital
Classification: Uncertain significance for Familial adenomatous polyposis 1. Last evaluated: 2026-02-20. Review status: criteria provided, single submitter. Criteria: St. Jude Assertion Criteria 2020. Collection method: clinical testing. Allele origin: germline.
Comment: The APC c.95A>G p.(Asn32Ser) missense change has a maxi mum subpopulation frequency of 0.02% in gnomAD v2.1.1. The in silico tool REVEL is inconclusive about a pathogenic or benign effect of this variant on protein function, and functional studies have not been performed. This variant has been reported in an individual with colorectal cancer (PMID: 29237405). In summary, the evidence currently available is insufficient to determine the clinical significance of this variant. It has therefore been classified as of uncertain significance.

Labcorp Genetics (formerly Invitae), Labcorp
Classification: Uncertain significance for Familial adenomatous polyposis 1. Last evaluated: 2026-02-03. Review status: criteria provided, single submitter. Criteria: Invitae Variant Classification Sherloc (09022015). Collection method: clinical testing. Allele origin: germline.
Comment: This sequence change replaces asparagine, which is neutral and polar, with serine, which is neutral and polar, at codon 32 of the APC protein (p.Asn32Ser). This variant is present in population databases (rs539108537, gnomAD 0.02%). This missense change has been observed in individual(s) with breast cancer and colon cancer (PMID: 26976419, 29237405). ClinVar contains an entry for this variant (Variation ID: 218010). Invitae Evidence Modeling of protein sequence and biophysical properties (such as structural, functional, and spatial information, amino acid conservation, physicochemical variation, residue mobility, and thermodynamic stability) indicates that this missense variant is not expected to disrupt APC protein function with a negative predictive value of 95%. In summary, the available evidence is currently insufficient to determine the role of this variant in disease. Therefore, it has been classified as a Variant of Uncertain Significance.

PreventionGenetics, part of Exact Sciences
Classification: Uncertain significance for APC-related condition. Last evaluated: 2025-11-26. Review status: criteria provided, single submitter. Criteria: ACMG Guidelines, 2015. Collection method: clinical testing. Allele origin: germline.
Comment: The APC c.95A>G variant is predicted to result in the amino acid substitution p.Asn32Ser. This variant has been reported in individuals with breast or colorectal cancers (Table A2, Tung et al. 2016. PubMed ID: 26976419; Akcay et al. 2020. PubMed ID: 32658311) and has also been reported in control individuals in studies of breast, colorectal, and biliary tract cancers (Supplemental Table 2, Okawa et al. 2023. PubMed ID: 36243179; Akcay et al. 2020. PubMed ID: 32658311). This variant is reported in 0.020% of alleles in individuals of African descent in gnomAD and has conflicting interpretations in ClinVar ranging from uncertain significance to likely benign (Variation ID: 218010). Although we suspect that this variant may be benign, at this time, the clinical significance of this variant is uncertain due to the absence of conclusive functional and genetic evidence.

Center for Genomic Medicine, Rigshospitalet, Copenhagen University Hospital
Classification: Likely benign. Last evaluated: 2025-03-04. Review status: criteria provided, single submitter. Criteria: ACMG Guidelines, 2015. Collection method: clinical testing. Allele origin: germline.

Color Diagnostics, LLC DBA Color Health
Classification: Likely benign for Hereditary cancer-predisposing syndrome. Last evaluated: 2024-09-17. Review status: criteria provided, single submitter. Criteria: ACMG Guidelines, 2015. Collection method: clinical testing. Allele origin: germline.

GeneDx
Classification: Uncertain significance. Last evaluated: 2024-07-29. Review status: criteria provided, single submitter. Criteria: GeneDx Variant Classification Process June 2021. Collection method: clinical testing. Allele origin: germline. Affected: yes.
Comment: In silico analysis indicates that this missense variant does not alter protein structure/function; Observed in individuals with colorectal or breast cancer, and also in controls in a case-control study of biliary tract cancer (PMID: 18199528, 26976419, 29237405, 32658311, 36243179); This variant is associated with the following publications: (PMID: 29237405, 26976419, 26900293, 27908614, 32658311, 18199528, 36243179)

All of Us Research Program, National Institutes of Health
Classification: Likely benign for Classic or attenuated familial adenomatous polyposis. Last evaluated: 2023-12-18. Review status: criteria provided, single submitter. Criteria: ACMG Guidelines, 2015. Collection method: clinical testing. Allele origin: germline. Inheritance: Autosomal dominant inheritance. Observed: 10 variant alleles, 10 heterozygotes.
Comment: This study involves interpretation of variants in research participants for the purpose of population health screening. Participant phenotype was not available at the time of variant classification. Additional details can be found in publication PMID: 35346344, PMCID: PMC8962531

Quest Diagnostics Nichols Institute San Juan Capistrano
Classification: Uncertain significance. Last evaluated: 2023-12-18. Review status: criteria provided, single submitter. Criteria: Quest Diagnostics criteria. Collection method: clinical testing. Allele origin: unknown.
Comment: The APC c.95A>G (p.Asn32Ser) variant has been reported in individuals with breast cancer (PMID: 26976419 (2016), 32658311 (2021)), colon cancer (PMID: 32658311 (2021), 29237405 (2017)), as well as unaffected individuals (PMID: 32658311 (2021), 36243179 (2022)), In addition, this variant has been identified as a somatic variant in non-small cell lung cancer (PMID: 28380452 (2017)) and colorectal cancer (PMID: 26900293 (2016)). The frequency of this variant in the general population, 0.0002 (5/24970 chromosomes in African/African American subpopulation (Genome Aggregation Database)), is higher than would generally be expected for pathogenic variants in this gene. Analysis of this variant using bioinformatics tools for the prediction of the effect of amino acid changes on protein structure and function yielded predictions that this variant is benign. Based on the available information, we are unable to determine the clinical significance of this variant.

Department of Pathology and Laboratory Medicine, Sinai Health System
Classification: Likely benign for Familial adenomatous polyposis 1. Last evaluated: 2023-09-28. Review status: criteria provided, single submitter. Criteria: ACMG Guidelines, 2015. Collection method: clinical testing. Allele origin: germline. Affected: yes.

Ambry Genetics
Classification: Likely benign for Hereditary cancer-predisposing syndrome. Last evaluated: 2022-06-07. Review status: criteria provided, single submitter. Criteria: Ambry Variant Classification Scheme 2023. Collection method: clinical testing. Allele origin: germline.

Sema4
Classification: Uncertain significance for Hereditary cancer-predisposing syndrome. Last evaluated: 2021-12-28. Review status: criteria provided, single submitter. Criteria: Sema4 Curation Guidelines. Collection method: curation. Allele origin: germline.
Comment: The APC c.95A>G (p.N32S) variant has been reported in heterozygosity in at least 4 individuals with breast and colorectal cancer (PMID: 26976419, 26900293, 29237405, 32658311), but has also been reported in healthy controls from a colorectal study (PMID: 32658311). It was observed in 5/24970 chromosomes of the African/African American subpopulation in the large and broad cohorts of the Genome Aggregation Database (PMID: 32461654). This variant has been reported in ClinVar (Variation ID: 218010). Functional studies have not been performed, and in silico predictions of the variant's effect on protein function are inconclusive. The evidence is insufficient to meet ACMG/AMP criteria for classifying the variant as benign or pathogenic. Thus, the clinical significance of this variant is currently uncertain.

Institute for Clinical Genetics, University Hospital TU Dresden, University Hospital TU Dresden
Classification: Uncertain significance. Last evaluated: 2021-11-03. Review status: criteria provided, single submitter. Criteria: ACMG Guidelines, 2015. Collection method: clinical testing. Allele origin: germline.

Mendelics
Classification: Uncertain significance for Familial adenomatous polyposis 1. Last evaluated: 2019-05-28. Review status: criteria provided, single submitter. Criteria: Mendelics Assertion Criteria 2017. Collection method: clinical testing. Allele origin: unknown.

3DMed Clinical Laboratory Inc
Classification: Uncertain significance for Neoplasm of stomach. Last evaluated: 2018-01-25. Review status: no assertion criteria provided. Criteria: ACMG Guidelines, 2015. Collection method: clinical testing. Allele origin: germline. Affected: yes. Not counted in ClinVar's aggregate classification.

Mayo Clinic Laboratories, Mayo Clinic
Classification: Uncertain significance. Review status: no assertion criteria provided. Collection method: research. Allele origin: unknown. Observed: 1 variant allele. Not counted in ClinVar's aggregate classification.

Literature cited by the submitters: PubMed 26900293 (cited by 4 submitters); PubMed 26976419 (cited by 5 submitters); PubMed 28380452 (cited by 3 submitters); PubMed 32658311 (cited by 5 submitters); PubMed 29237405 (cited by 5 submitters); PubMed 31970404 (cited by Women's Health and Genetics/Laboratory Corporation of America, LabCorp); PubMed 31871297 (cited by Women's Health and Genetics/Laboratory Corporation of America, LabCorp); PubMed 36243179 (cited by Women's Health and Genetics/Laboratory Corporation of America, LabCorp and Quest Diagnostics Nichols Institute San Juan Capistrano); PubMed 33569305 (cited by Women's Health and Genetics/Laboratory Corporation of America, LabCorp).